The following is an entry in ClinVar:

NM_000593.6(TAP1):c.2213C>T (p.Ala738Val)

Genes: PSMB8-AS1 (PSMB8 antisense RNA 1; plus strand), TAP1 (transporter 1, ATP binding cassette subfamily B member; minus strand). Cytogenetic location: 6p21.32.
Variant type: single nucleotide variant.
Coding change: c.2213C>T on transcript NM_000593.6 (MANE Select); coding-DNA position 2213, C replaced by T.
Protein change: p.Ala738Val; replaces alanine 738 with valine.
Molecular consequence: missense variant. On other transcripts: non-coding transcript variant (4).
Genome position (GRCh38, 1-based): chr6:32,845,613, G>A on the plus strand (C>T on the coding strand, the complement: TAP1 is on the minus strand). VCF-style: chr6-32845613-G-A. GRCh37 (hg19) VCF-style: chr6-32813390-G-A.
Other names: c.1610C>T, p.Ala537Val (NM_001292022.2); short protein forms A738V, A537V.
Identifiers: ClinVar variation 2068034 (VCV002068034.3), dbSNP rs1318409530, ClinGen allele CA363590286.
Genomic context (GRCh38, chr6:32,845,613, plus strand): 5'-TGGAGTGCGCAGGTCTGAGAAGGCTTTCATTCTGGAGCATCTGCAGGAGCCTGCACCATG[G>A]CCCAGTAGCACCCCTTTTTCTCCATGAGCTGCTGGTGGGTTCCCCCCTCCCGGATAGCGC-3'
Protein context (NP_000584.3, residues 728-748): QLMEKKGCYW[Ala738Val]MVQAPADAPE

ClinVar aggregate classification (germline): Uncertain significance. Review status: criteria provided, multiple submitters, no conflicts (2 of 4 stars). 2 submissions from 2 submitters: Uncertain significance (2). Last evaluated 2025-06-09.

Conditions:
MHC class I deficiency. Identifiers: Orphanet 34592, MedGen C6024714, MONDO:0011476.
Inborn genetic diseases. Identifiers: MedGen C0950123, MeSH D030342.

Allele frequency attached by ClinVar (database versions not stated): gnomAD 0.00001; gnomAD exomes 0.00001; TOPMed 0.00001.
gnomAD v4.1: 20 of 1,612,952 alleles (0.0012%); highest among the groups gnomAD compares: Non-Finnish European, 0.0017%; no homozygotes.

Submissions (2):

Ambry Genetics
Classification: Uncertain significance for Inborn genetic diseases. Last evaluated: 2025-06-09. Review status: criteria provided, single submitter. Criteria: Ambry Variant Classification Scheme 2023. Collection method: clinical testing. Allele origin: germline.

Labcorp Genetics (formerly Invitae), Labcorp
Classification: Uncertain significance for MHC class I deficiency 1. Last evaluated: 2022-03-25. Review status: criteria provided, single submitter. Criteria: Invitae Variant Classification Sherloc (09022015). Collection method: clinical testing. Allele origin: germline.
Comment: This sequence change replaces alanine, which is neutral and non-polar, with valine, which is neutral and non-polar, at codon 798 of the TAP1 protein (p.Ala798Val). This variant is present in population databases (no rsID available, gnomAD 0.007%). This variant has not been reported in the literature in individuals affected with TAP1-related conditions. Algorithms developed to predict the effect of missense changes on protein structure and function (SIFT, PolyPhen-2, Align-GVGD) all suggest that this variant is likely to be tolerated. In summary, the available evidence is currently insufficient to determine the role of this variant in disease. Therefore, it has been classified as a Variant of Uncertain Significance.